The following is an entry in ClinVar:

NM_000350.3(ABCA4):c.1586A>G (p.Asn529Ser)

Gene: ABCA4 (ATP binding cassette subfamily A member 4; minus strand). Cytogenetic location: 1p22.1.
Variant type: single nucleotide variant.
Coding change: c.1586A>G on transcript NM_000350.3 (MANE Select); coding-DNA position 1586, A replaced by G.
Protein change: p.Asn529Ser; replaces asparagine 529 with serine.
Molecular consequence: missense variant.
Genome position (GRCh38, 1-based): chr1:94,063,286, T>C on the plus strand (A>G on the coding strand, the complement: ABCA4 is on the minus strand). VCF-style: chr1-94063286-T-C. GRCh37 (hg19) VCF-style: chr1-94528842-T-C.
Other names: c.1586A>G, p.Asn529Ser (NM_001425324.1); short protein forms N529S.
Identifiers: ClinVar variation 867156 (VCV000867156.4), dbSNP rs764995626, ClinGen allele CA958472.
Genomic context (GRCh38, chr1:94,063,286, plus strand): 5'-GCCCAGAACATGTTTTCCTCCAGTAGAGAGAGGGCACGTTGGGTGAGCTGAGTTTCATCA[T>C]TGTAGCTTTCAAACTTATCCAGGACCAAGCACTGCAGAGAGTCACAAAGTTGAGAGAGTG-3'
Protein context (NP_000341.2, residues 519-539): CLVLDKFESY[Asn529Ser]DETQLTQRAL

ClinVar aggregate classification (germline): Uncertain significance. Review status: criteria provided, multiple submitters, no conflicts (2 of 4 stars). 2 submissions from 2 submitters: Uncertain significance (2). Last evaluated 2022-04-20.

Allele frequency attached by ClinVar (database versions not stated): TOPMed below 0.00001; gnomAD 0.00001; gnomAD exomes 0.00001; ExAC 0.00002.
gnomAD v4.1: 11 of 1,614,028 alleles (0.00068%); highest among the groups gnomAD compares: African/African-American, 0.0027%; no homozygotes.

Submissions (2):

Labcorp Genetics (formerly Invitae), Labcorp
Classification: Uncertain significance. Last evaluated: 2022-04-20. Review status: criteria provided, single submitter. Criteria: Invitae Variant Classification Sherloc (09022015). Collection method: clinical testing. Allele origin: germline.
Comment: This sequence change replaces asparagine, which is neutral and polar, with serine, which is neutral and polar, at codon 529 of the ABCA4 protein (p.Asn529Ser). This variant is present in population databases (rs764995626, gnomAD 0.004%). This missense change has been observed in individual(s) with Stargardt disease (PMID: 22661472). ClinVar contains an entry for this variant (Variation ID: 867156). Advanced modeling of protein sequence and biophysical properties (such as structural, functional, and spatial information, amino acid conservation, physicochemical variation, residue mobility, and thermodynamic stability) performed at Invitae indicates that this missense variant is not expected to disrupt ABCA4 protein function. In summary, the available evidence is currently insufficient to determine the role of this variant in disease. Therefore, it has been classified as a Variant of Uncertain Significance.

Blueprint Genetics
Classification: Uncertain significance. Last evaluated: 2020-01-28. Review status: criteria provided, single submitter. Criteria: ACMG Guidelines, 2015. Collection method: clinical testing. Allele origin: germline.

Literature cited by the submitters: PubMed 22661472 (cited by Labcorp Genetics (formerly Invitae), Labcorp).